The following is an entry in ClinVar:

ClinVar aggregate classification (germline): Uncertain significance (1 of 4 stars; one submission).

Conditions:
Long QT syndrome (LQTS). Identifiers: MedGen C0023976, MeSH D008133, MONDO:0002442. Disease mechanism: loss of function. Inheritance: Various modes of inheritance.

Submission:

Labcorp Genetics (formerly Invitae), Labcorp
Classification: Uncertain significance for Long QT syndrome. Last evaluated: 2018-03-07. Review status: criteria provided, single submitter. Criteria: Invitae Variant Classification Sherloc (09022015). Collection method: clinical testing. Allele origin: germline.
Comment: A different missense substitution at this codon (p.Ala390Val) has been reported in an individual affected with long QT syndrome (PMID: 18591664). In summary, the available evidence is currently insufficient to determine the role of this variant in disease. Therefore, it has been classified as a Variant of Uncertain Significance. Algorithms developed to predict the effect of missense changes on protein structure and function do not agree on the potential impact of this missense change (SIFT: "Deleterious"; PolyPhen-2: "Possibly Damaging"; Align-GVGD: "Class C0"). This variant has not been reported in the literature in individuals with SNTA1-related disease. This variant is not present in population databases (ExAC no frequency). This sequence change replaces alanine with proline at codon 390 of the SNTA1 protein (p.Ala390Pro). The alanine residue is moderately conserved and there is a small physicochemical difference between alanine and proline.

Literature cited by the submitters: PubMed 18591664.

NM_003098.3(SNTA1):c.1168G>C (p.Ala390Pro)

Gene: SNTA1 (syntrophin alpha 1; minus strand). Cytogenetic location: 20q11.21.
Variant type: single nucleotide variant.
Coding change: c.1168G>C on transcript NM_003098.3 (MANE Select); coding-DNA position 1168, G replaced by C.
Protein change: p.Ala390Pro; replaces alanine 390 with proline.
Molecular consequence: missense variant.
Genome position (GRCh38, 1-based): chr20:33,410,204, C>G on the plus strand (G>C on the coding strand, the complement: SNTA1 is on the minus strand). VCF-style: chr20-33410204-C-G. GRCh37 (hg19) VCF-style: chr20-31998010-C-G.
Other names: short protein forms A390P.
Identifiers: ClinVar variation 568828 (VCV000568828.8), dbSNP rs1568746798, ClinGen allele CA408630616.